The following is an entry in ClinVar:

ClinVar aggregate classification (germline): Likely pathogenic (1 of 4 stars; one submission).

Conditions:
Developmental and epileptic encephalopathy, 11 (DEE11). Also called: Early infantile epileptic encephalopathy 11. Identifiers: Orphanet 1934, MedGen C3150987, MONDO:0013388, OMIM 613721.
Seizures, benign familial infantile, 3 (BFIS3). Also called: CONVULSIONS, BENIGN FAMILIAL INFANTILE, 3; Familial neonatal seizures. Identifiers: Orphanet 140927, Orphanet 306, MedGen C1843140, MONDO:0011904, OMIM 607745.

Submission:

Labcorp Genetics (formerly Invitae), Labcorp
Classification: Likely pathogenic for Seizures, benign familial infantile, 3; Developmental and epileptic encephalopathy, 11. Last evaluated: 2024-11-11. Review status: criteria provided, single submitter. Criteria: Invitae Variant Classification Sherloc (09022015). Collection method: clinical testing. Allele origin: germline.
Comment: This sequence change replaces glycine, which is neutral and non-polar, with serine, which is neutral and polar, at codon 1715 of the SCN2A protein (p.Gly1715Ser). This variant is not present in population databases (gnomAD no frequency). This variant has not been reported in the literature in individuals affected with SCN2A-related conditions. Invitae Evidence Modeling of protein sequence and biophysical properties (such as structural, functional, and spatial information, amino acid conservation, physicochemical variation, residue mobility, and thermodynamic stability) indicates that this missense variant is expected to disrupt SCN2A protein function with a positive predictive value of 95%. This variant disrupts the p.Gly1715 amino acid residue in SCN2A. Other variant(s) that disrupt this residue have been determined to be pathogenic (PMID: 33176815, 35431799). This suggests that this residue is clinically significant, and that variants that disrupt this residue are likely to be disease-causing. In summary, the currently available evidence indicates that the variant is pathogenic, but additional data are needed to prove that conclusively. Therefore, this variant has been classified as Likely Pathogenic.

Literature cited by the submitters: PubMed 33176815; PubMed 35431799.

NM_001040142.2(SCN2A):c.5143G>A (p.Gly1715Ser)

Gene: SCN2A (sodium voltage-gated channel alpha subunit 2; plus strand). Cytogenetic location: 2q24.3.
Variant type: single nucleotide variant.
Coding change: c.5143G>A on transcript NM_001040142.2 (MANE Select); coding-DNA position 5143, G replaced by A.
Protein change: p.Gly1715Ser; replaces glycine 1715 with serine.
Molecular consequence: missense variant.
Genome position (GRCh38, 1-based): chr2:165,388,949, G>A. VCF-style: chr2-165388949-G-A. GRCh37 (hg19) VCF-style: chr2-166245459-G-A.
Other names: c.5143G>A, p.Gly1715Ser (NM_001040143.2, NM_001371246.1, NM_001371247.1 and 1 more transcripts); short protein forms G1715S.
Identifiers: ClinVar variation 3753674 (VCV003753674.2).